The following is an entry in ClinVar:

NM_000719.7(CACNA1C):c.5576T>C (p.Leu1859Pro)

Genes: CACNA1C (calcium voltage-gated channel subunit alpha1 C; plus strand), CACNA1C-AS1 (CACNA1C antisense RNA 1; minus strand). Cytogenetic location: 12p13.33.
Variant type: single nucleotide variant.
Coding change: c.5576T>C on transcript NM_000719.7 (MANE Select); coding-DNA position 5576, T replaced by C.
Protein change: p.Leu1859Pro; replaces leucine 1859 with proline.
Molecular consequence: missense variant.
Genome position (GRCh38, 1-based): chr12:2,685,738, T>C. VCF-style: chr12-2685738-T-C. GRCh37 (hg19) VCF-style: chr12-2794904-T-C.
Other names: c.5720T>C, p.Leu1907Pro (NM_001129827.2); c.5699T>C, p.Leu1900Pro (NM_001129829.2); c.5681T>C, p.Leu1894Pro (NM_001129830.3, NM_001167624.3); c.5660T>C, p.Leu1887Pro (NM_001129831.2); c.5636T>C, p.Leu1879Pro (NM_001129832.2); c.5633T>C, p.Leu1878Pro (NM_001129833.2, NM_001129834.2, NM_001129835.2); c.5627T>C, p.Leu1876Pro (NM_001129836.2); c.5600T>C, p.Leu1867Pro (NM_001129837.2, NM_001129838.2); and 6 more; short protein forms L1867P, L1878P, L1907P, L1865P, L1919P, L1848P, L1856P, L1859P.
Identifiers: ClinVar variation 1409947 (VCV001409947.8), dbSNP rs566778414, ClinGen allele CA6389904.

ClinVar aggregate classification (germline): Uncertain significance. Review status: criteria provided, multiple submitters, no conflicts (2 of 4 stars). 2 submissions from 2 submitters: Uncertain significance (2). Last evaluated 2026-01-05.

Conditions:
Cardiovascular phenotype. Identifiers: MedGen CN230736.
Long QT syndrome (LQTS). Identifiers: MedGen C0023976, MeSH D008133, MONDO:0002442. Disease mechanism: loss of function. Inheritance: Various modes of inheritance.

Allele frequency attached by ClinVar (database versions not stated): gnomAD exomes below 0.00001 and 0.00001; ExAC 0.00002; gnomAD 0.00002 and 0.00003; TOPMed 0.00002; 1000 Genomes Project 30x 0.00031; 1000 Genomes Project 0.00040.
gnomAD v4.1: 8 of 1,612,608 alleles (0.0005%); highest among the groups gnomAD compares: African/African-American, 0.0093%; no homozygotes.

Submissions (2):

Labcorp Genetics (formerly Invitae), Labcorp
Classification: Uncertain significance for Long QT syndrome. Last evaluated: 2026-01-05. Review status: criteria provided, single submitter. Criteria: Invitae Variant Classification Sherloc (09022015). Collection method: clinical testing. Allele origin: germline.
Comment: This sequence change replaces leucine, which is neutral and non-polar, with proline, which is neutral and non-polar, at codon 1859 of the CACNA1C protein (p.Leu1859Pro). This variant is present in population databases (rs566778414, gnomAD 0.01%). This variant has not been reported in the literature in individuals affected with CACNA1C-related conditions. ClinVar contains an entry for this variant (Variation ID: 1409947). An algorithm developed to predict the effect of missense changes on protein structure and function (PolyPhen-2) suggests that this variant is likely to be disruptive. In summary, the available evidence is currently insufficient to determine the role of this variant in disease. Therefore, it has been classified as a Variant of Uncertain Significance.

Ambry Genetics
Classification: Uncertain significance for Cardiovascular phenotype. Last evaluated: 2022-08-22. Review status: criteria provided, single submitter. Criteria: Ambry Variant Classification Scheme 2023. Collection method: clinical testing. Allele origin: germline.
Comment: The p.L1859P variant (also known as c.5576T>C), located in coding exon 44 of the CACNA1C gene, results from a T to C substitution at nucleotide position 5576. The leucine at codon 1859 is replaced by proline, an amino acid with similar properties. This amino acid position is well conserved in available vertebrate species. In addition, this alteration is predicted to be deleterious by in silico analysis. Based on the supporting evidence, the association of this alteration with CACNA1C-related neurodevelopmental disorder is unknown; however, the association of this alteration with CACNA1C-related Timothy syndrome or long QT syndrome is unlikely.